The following is an entry in ClinVar:

ClinVar aggregate classification (germline): Uncertain significance (1 of 4 stars; one submission).

gnomAD v4.1: 5 of 1,614,214 alleles (0.00031%); highest among the groups gnomAD compares: South Asian, 0.0055%; no homozygotes.

Submission:

Labcorp Genetics (formerly Invitae), Labcorp
Classification: Uncertain significance. Last evaluated: 2022-11-14. Review status: criteria provided, single submitter. Criteria: Invitae Variant Classification Sherloc (09022015). Collection method: clinical testing. Allele origin: germline.
Comment: Algorithms developed to predict the effect of missense changes on protein structure and function output the following: SIFT: "Deleterious"; PolyPhen-2: "Benign"; Align-GVGD: "Class C0". The leucine amino acid residue is found in multiple mammalian species, which suggests that this missense change does not adversely affect protein function. In summary, the available evidence is currently insufficient to determine the role of this variant in disease. Therefore, it has been classified as a Variant of Uncertain Significance. This variant has not been reported in the literature in individuals affected with DSCAML1-related conditions. This sequence change replaces valine, which is neutral and non-polar, with leucine, which is neutral and non-polar, at codon 415 of the DSCAML1 protein (p.Val415Leu). This variant is present in population databases (no rsID available, gnomAD 0.003%).

NM_020693.4(DSCAML1):c.1063G>C (p.Val355Leu)

Gene: DSCAML1 (DS cell adhesion molecule like 1; minus strand). Cytogenetic location: 11q23.3.
Variant type: single nucleotide variant.
Coding change: c.1063G>C on transcript NM_020693.4 (MANE Select); coding-DNA position 1063, G replaced by C.
Protein change: p.Val355Leu; replaces valine 355 with leucine.
Molecular consequence: missense variant.
Genome position (GRCh38, 1-based): chr11:117,521,280, C>G on the plus strand (G>C on the coding strand, the complement: DSCAML1 is on the minus strand). VCF-style: chr11-117521280-C-G. GRCh37 (hg19) VCF-style: chr11-117391995-C-G.
Other names: c.1063G>C, p.Val355Leu (NM_001367904.1); c.655G>C, p.Val219Leu (NM_001367905.1); short protein forms V219L, V355L.
Identifiers: ClinVar variation 2814107 (VCV002814107.3), dbSNP rs190172769, ClinGen allele CA382748146.